The following is an entry in ClinVar:

ClinVar aggregate classification (germline): Uncertain significance (1 of 4 stars; one submission).

Submission:

Labcorp Genetics (formerly Invitae), Labcorp
Classification: Uncertain significance. Last evaluated: 2021-04-29. Review status: criteria provided, single submitter. Criteria: Invitae Variant Classification Sherloc (09022015). Collection method: clinical testing. Allele origin: germline.
Comment: This sequence change replaces glutamic acid with glycine at codon 207 of the GUF1 protein (p.Glu207Gly). The glutamic acid residue is moderately conserved and there is a moderate physicochemical difference between glutamic acid and glycine. In summary, the available evidence is currently insufficient to determine the role of this variant in disease. Therefore, it has been classified as a Variant of Uncertain Significance. Algorithms developed to predict the effect of missense changes on protein structure and function output the following: SIFT: "Tolerated"; PolyPhen-2: "Benign"; Align-GVGD: "Class C0". The glycine amino acid residue is found in multiple mammalian species, suggesting that this missense change does not adversely affect protein function. These predictions have not been confirmed by published functional studies and their clinical significance is uncertain. This variant has not been reported in the literature in individuals with GUF1-related conditions. This variant is not present in population databases (ExAC no frequency).

NM_021927.3(GUF1):c.620A>G (p.Glu207Gly)

Gene: GUF1 (GTP binding elongation factor GUF1; plus strand). Cytogenetic location: 4p12.
Variant type: single nucleotide variant.
Coding change: c.620A>G on transcript NM_021927.3 (MANE Select); coding-DNA position 620, A replaced by G.
Protein change: p.Glu207Gly; replaces glutamic acid 207 with glycine.
Molecular consequence: missense variant. On other transcripts: 5 prime UTR variant (2).
Genome position (GRCh38, 1-based): chr4:44,683,269, A>G. VCF-style: chr4-44683269-A-G. GRCh37 (hg19) VCF-style: chr4-44685286-A-G.
Other names: c.-353A>G (NM_001345867.2, NM_001345869.2); c.620A>G, p.Glu207Gly (NM_001345868.2); short protein forms E207G.
Identifiers: ClinVar variation 1391844 (VCV001391844.8), dbSNP rs2109636842, ClinGen allele CA356761851.